The following is an entry in ClinVar:

ClinVar aggregate classification (germline): Uncertain significance (1 of 4 stars; one submission).

Allele frequency attached by ClinVar (database versions not stated): gnomAD exomes below 0.00001; TOPMed 0.00001.

Submission:

Labcorp Genetics (formerly Invitae), Labcorp
Classification: Uncertain significance. Last evaluated: 2023-10-25. Review status: criteria provided, single submitter. Criteria: Invitae Variant Classification Sherloc (09022015). Collection method: clinical testing. Allele origin: germline.
Comment: This sequence change replaces arginine, which is basic and polar, with lysine, which is basic and polar, at codon 258 of the ASRGL1 protein (p.Arg258Lys). This variant is not present in population databases (gnomAD no frequency). This variant has not been reported in the literature in individuals affected with ASRGL1-related conditions. Algorithms developed to predict the effect of missense changes on protein structure and function output the following: SIFT: "Not Available"; PolyPhen-2: "Benign"; Align-GVGD: "Not Available". The lysine amino acid residue is found in multiple mammalian species, which suggests that this missense change does not adversely affect protein function. In summary, the available evidence is currently insufficient to determine the role of this variant in disease. Therefore, it has been classified as a Variant of Uncertain Significance.

NM_001083926.2(ASRGL1):c.773G>A (p.Arg258Lys)

Gene: ASRGL1 (asparaginase and isoaspartyl peptidase 1; plus strand). Cytogenetic location: 11q12.3.
Variant type: single nucleotide variant.
Coding change: c.773G>A on transcript NM_001083926.2 (MANE Select); coding-DNA position 773, G replaced by A.
Protein change: p.Arg258Lys; replaces arginine 258 with lysine.
Molecular consequence: missense variant.
Genome position (GRCh38, 1-based): chr11:62,392,130, G>A. VCF-style: chr11-62392130-G-A. GRCh37 (hg19) VCF-style: chr11-62159602-G-A.
Other names: c.773G>A, p.Arg258Lys (NM_025080.4); short protein forms R258K.
Identifiers: ClinVar variation 2771818 (VCV002771818.3), dbSNP rs989440781, ClinGen allele CA223040240.